The following is an entry in ClinVar:

ClinVar aggregate classification (germline): Uncertain significance (1 of 4 stars; one submission).

Conditions:
Neurodevelopmental disorder with seizures, microcephaly, and brain abnormalities (NEDSMBA). Identifiers: MedGen C5774209, MONDO:0859283, OMIM 620024.

gnomAD v4.1: 6 of 1,613,174 alleles (0.00037%); highest among the groups gnomAD compares: East Asian, 0.013%; no homozygotes.

Submission:

Juno Genomics, Hangzhou Juno Genomics, Inc
Classification: Uncertain significance for Neurodevelopmental disorder with seizures, microcephaly, and brain abnormalities. Review status: criteria provided, single submitter. Criteria: ACMG Guidelines, 2015. Collection method: clinical testing. Allele origin: germline.
Comment: Absent from controls (or at extremely low frequency if recessive) in Genome Aggregation Database.;Multiple lines of computational evidence support a deleterious effect on the gene or gene product.

NM_003622.4(PPFIBP1):c.1766+9A>G

Gene: PPFIBP1 (PPFIB scaffold protein 1; plus strand). Cytogenetic location: 12p11.22.
Variant type: single nucleotide variant.
Coding change: c.1766+9A>G on transcript NM_003622.4 (MANE Select); 9 bases into the intron after coding-DNA position 1766, A replaced by G.
Molecular consequence: intron variant.
Genome position (GRCh38, 1-based): chr12:27,679,648, A>G. VCF-style: chr12-27679648-A-G. GRCh37 (hg19) VCF-style: chr12-27832581-A-G.
Other names: c.1784+9A>G (NM_177444.3); c.1691+9A>G (NM_001198916.2); c.1325+9A>G (NM_001198915.2).
Identifiers: ClinVar variation 5019310 (VCV005019310.2).